The following is an entry in ClinVar:

ClinVar aggregate classification (germline): Uncertain significance (1 of 4 stars; one submission).

Conditions:
Bloom syndrome (BLM). Also called: Bloom-Torre-Machacek syndrome. Identifiers: Orphanet 125, MedGen C0005859, MONDO:0008876, OMIM 210900.

Submission:

Labcorp Genetics (formerly Invitae), Labcorp
Classification: Uncertain significance for Bloom syndrome. Last evaluated: 2022-04-13. Review status: criteria provided, single submitter. Criteria: Invitae Variant Classification Sherloc (09022015). Collection method: clinical testing. Allele origin: germline.
Comment: Algorithms developed to predict the effect of missense changes on protein structure and function are either unavailable or do not agree on the potential impact of this missense change (SIFT: "Tolerated"; PolyPhen-2: "Possibly Damaging"; Align-GVGD: "Class C0"). In summary, the available evidence is currently insufficient to determine the role of this variant in disease. Therefore, it has been classified as a Variant of Uncertain Significance. This sequence change replaces asparagine, which is neutral and polar, with aspartic acid, which is acidic and polar, at codon 1141 of the BLM protein (p.Asn1141Asp). This variant is not present in population databases (gnomAD no frequency). This variant has not been reported in the literature in individuals affected with BLM-related conditions.

NM_000057.4(BLM):c.3421A>G (p.Asn1141Asp)

Gene: BLM (BLM RecQ like helicase; plus strand). Cytogenetic location: 15q26.1.
Variant type: single nucleotide variant.
Coding change: c.3421A>G on transcript NM_000057.4 (MANE Select); coding-DNA position 3421, A replaced by G.
Protein change: p.Asn1141Asp; replaces asparagine 1141 with aspartic acid.
Molecular consequence: missense variant. On other transcripts: intron variant (1).
Genome position (GRCh38, 1-based): chr15:90,803,583, A>G. VCF-style: chr15-90803583-A-G. GRCh37 (hg19) VCF-style: chr15-91346813-A-G.
Other names: c.3421A>G, p.Asn1141Asp (NM_001287246.2); c.2296A>G, p.Asn766Asp (NM_001287248.2); c.3358+5246A>G (NM_001287247.2); short protein forms N1141D, N766D.
Identifiers: ClinVar variation 1979258 (VCV001979258.4), dbSNP rs2505546982, ClinGen allele CA393847555.